The following is an entry in ClinVar:

ClinVar aggregate classification (germline): Benign. Review status: criteria provided, single submitter (1 of 4 stars). 2 submissions from 2 submitters: Benign (1). 1 of the submissions does not count toward it. Last evaluated 2026-01-26.

Conditions:
SPG11-related disorder. Also called: SPG11-related condition.
Hereditary spastic paraplegia 11. Also called: Spastic Paraplegia 11; Spastic paraplegia, mental retardation and thin corpus callosum; SPASTIC PARAPLEGIA, AUTOSOMAL RECESSIVE, COMPLICATED, WITH THIN CORPUS CALLOSUM; SPASTIC PARAPLEGIA, AUTOSOMAL RECESSIVE, WITH MENTAL IMPAIRMENT AND THIN CORPUS CALLOSUM; Nakamura Osame syndrome; Autosomal recessive hereditary spastic paraplegia, mental impairment, and thin corpus callosum. Identifiers: Orphanet 2822, MedGen C1858479, MONDO:0011445, OMIM 604360.

Allele frequency attached by ClinVar (database versions not stated): gnomAD 0.00001 and 0.00017; TOPMed 0.00003; gnomAD exomes 0.00037; ExAC 0.00052; 1000 Genomes Project 30x 0.00172; 1000 Genomes Project 0.00220.
gnomAD v4.1: 318 of 1,614,174 alleles (0.02%); highest among the groups gnomAD compares: South Asian, 0.33%; 2 homozygotes.

Submissions (2):

Labcorp Genetics (formerly Invitae), Labcorp
Classification: Benign for Hereditary spastic paraplegia 11. Last evaluated: 2026-01-26. Review status: criteria provided, single submitter. Criteria: Invitae Variant Classification Sherloc (09022015). Collection method: clinical testing. Allele origin: germline.

PreventionGenetics, part of Exact Sciences
Classification: Likely benign for SPG11-related condition. Last evaluated: 2019-07-02. Review status: no assertion criteria provided. Collection method: clinical testing. Allele origin: germline. Not counted in ClinVar's aggregate classification.
Comment: This variant is classified as likely benign based on ACMG/AMP sequence variant interpretation guidelines (Richards et al. 2015 PMID: 25741868, with internal and published modifications).

NM_025137.4(SPG11):c.4512A>T (p.Gly1504=)

Gene: SPG11 (SPG11 vesicle trafficking associated, spatacsin; minus strand). Cytogenetic location: 15q21.1.
Variant type: single nucleotide variant.
Coding change: c.4512A>T on transcript NM_025137.4 (MANE Select); coding-DNA position 4512, A replaced by T.
Protein change: p.Gly1504=; no amino-acid change (glycine 1504 retained).
Molecular consequence: synonymous variant.
Genome position (GRCh38, 1-based): chr15:44,595,382, T>A on the plus strand (A>T on the coding strand, the complement: SPG11 is on the minus strand). VCF-style: chr15-44595382-T-A. GRCh37 (hg19) VCF-style: chr15-44887580-T-A.
Other names: c.4512A>T, p.Gly1504= (NM_001160227.2).
Identifiers: ClinVar variation 697097 (VCV000697097.13), dbSNP rs539384073, ClinGen allele CA7534655.
Genomic context (GRCh38, chr15:44,595,382, plus strand): 5'-CCAGATGACTGAAAGATCCTCAAGGTTCCAGGTATGGTCCTCTGTTGAGTCCTGAATGTG[T>A]CCCATTGCTTCAGTTGCAACATTGTCCTCCACAGAAGTGATGATCCAAACACAGAGACAA-3'
Protein context (NP_079413.3, residues 1494-1514): VEDNVATEAM[Gly1504=]HIQDSTEDHT